The following is an entry in ClinVar:

NM_006493.4(CLN5):c.288del (p.Leu97fs)

Gene: CLN5 (CLN5 lysosomal BMP synthase; plus strand). Cytogenetic location: 13q22.3.
Variant type: Deletion.
Coding change: c.288del on transcript NM_006493.4 (MANE Select); coding-DNA position 288, one base deleted (A; older notation c.288delA).
Protein change: p.Leu97fs; shifts the reading frame from leucine 97.
Molecular consequence: frameshift variant.
Genome position (GRCh38, 1-based): chr13:76,995,177, A deleted. VCF-style (leftmost placement, unchanged base first): chr13-76995176-GA-G. GRCh37 (hg19) VCF-style: chr13-77569311-GA-G.
Other names: NC_000013.10:g.77569312del; NP_006484.2:p.(Leu97TyrfsTer17); c.288del, p.Leu97fs (NM_001366624.2); short protein forms L97fs.
Identifiers: ClinVar variation 3381783 (VCV003381783.2).

ClinVar aggregate classification (germline): Pathogenic (1 of 4 stars; one submission).

Conditions:
Retinal dystrophy. Also called: Inherited retinal dystrophy. Identifiers: Orphanet 71862, MedGen C0854723, MeSH D058499, MONDO:0019118, HP:0000556.

Submission:

Ophthalmic Genetics Group, Institute of Molecular and Clinical Ophthalmology Basel
Classification: Pathogenic for Retinal dystrophy. Last evaluated: 2024-05-27. Review status: criteria provided, single submitter. Criteria: ACMG Guidelines, 2015. Collection method: research. Allele origin: germline. Affected: yes. Observed: 1 variant allele.
Comment: This variant was classified as Pathogenic based on ACMG criteria: PVS1_strong, PM2_mod and PM3_mod

Literature cited by the submitters: PubMed 40180963.